The following is an entry in ClinVar:

ClinVar aggregate classification (germline): Pathogenic/Likely pathogenic. Review status: criteria provided, multiple submitters, no conflicts (2 of 4 stars). 2 submissions from 2 submitters: Pathogenic (1); Likely pathogenic (1). Last evaluated 2022-11-10.

Conditions:
Mitochondrial disease. Also called: Mitochondrial disorder; Mitochondrial disorders. Identifiers: Orphanet 68380, MedGen C0751651, MeSH D028361, MONDO:0044970.
Inborn genetic diseases. Identifiers: MedGen C0950123, MeSH D030342.

Submissions (2):

Department of Pathology and Laboratory Medicine, Sinai Health System
Classification: Likely pathogenic for mitochondrial disease. Last evaluated: 2022-11-10. Review status: criteria provided, single submitter. Criteria: ACMG Guidelines, 2015. Collection method: research. Allele origin: germline.

Ambry Genetics
Classification: Pathogenic for Inborn genetic diseases. Last evaluated: 2022-01-07. Review status: criteria provided, single submitter. Criteria: Ambry Variant Classification Scheme 2023. Collection method: clinical testing. Allele origin: germline.
Comment: The c.418delC (p.Q140Rfs*8) alteration, located in exon 4 (coding exon 4) of the TRIT1 gene, consists of a deletion of one nucleotide at position 418, causing a translational frameshift with a predicted alternate stop codon after 8 amino acids. This alteration is expected to result in loss of function by premature protein truncation or nonsense-mediated mRNA decay. Based on the available evidence, this alteration is classified as pathogenic.

NM_017646.6(TRIT1):c.418del (p.Gln140fs)

Gene: TRIT1 (tRNA isopentenyltransferase 1; minus strand). Cytogenetic location: 1p34.2.
Variant type: Deletion.
Coding change: c.418del on transcript NM_017646.6 (MANE Select); coding-DNA position 418, one base deleted (C; older notation c.418delC).
Protein change: p.Gln140fs; shifts the reading frame from glutamine 140.
Molecular consequence: frameshift variant.
Genome position (GRCh38, 1-based): chr1:39,852,873, G deleted on the plus strand (C on the coding strand, the reverse complement: TRIT1 is on the minus strand); the first of 4 consecutive G bases (chr1:39,852,873-39,852,876); deleting any one gives the same sequence. VCF-style (leftmost placement, unchanged base first): chr1-39852872-TG-T. GRCh37 (hg19) VCF-style: chr1-40318544-TG-T.
Other names: c.415delC, p.Gln140Argfs (NM_001312691.2); c.175delC, p.Gln60Argfs (NM_001312692.2); short protein forms Q140fs, Q60fs.
Identifiers: ClinVar variation 2405212 (VCV002405212.3), dbSNP rs1367142675, ClinGen allele CA522402486.
Genomic context (GRCh38, chr1:39,852,872, plus strand): 5'-AGACCATCCTCCTTTTCAAGCTCCACTTTTCGGTCAATCACTTTCTCAGTGCCCATCTCC[TG>T]GGGCTATTAAATGATGGTTTAGAAGTATATTTAATTCAACCAACACTGAGACAGTGTATG-3'